The following is an entry in ClinVar:

ClinVar aggregate classification (germline): Uncertain significance (1 of 4 stars; one submission).

Allele frequency attached by ClinVar (database versions not stated): ExAC 0.00001; gnomAD 0.00001; gnomAD exomes 0.00001 and 0.00002; TOPMed 0.00001.
gnomAD v4.1: 8 of 1,613,348 alleles (0.0005%); highest among the groups gnomAD compares: East Asian, 0.013%; no homozygotes.

Submission:

Labcorp Genetics (formerly Invitae), Labcorp
Classification: Uncertain significance. Last evaluated: 2025-06-14. Review status: criteria provided, single submitter. Criteria: Invitae Variant Classification Sherloc (09022015). Collection method: clinical testing. Allele origin: germline.
Comment: This sequence change replaces isoleucine, which is neutral and non-polar, with valine, which is neutral and non-polar, at codon 332 of the KIF11 protein (p.Ile332Val). This variant is present in population databases (rs768760171, gnomAD 0.02%). This missense change has been observed in individuals with cone dystrophy and/or familial exudative vitreoretinopathy (PMID: 26472404, 31106028, 32730767, 34582765). ClinVar contains an entry for this variant (Variation ID: 853562). Invitae Evidence Modeling of protein sequence and biophysical properties (such as structural, functional, and spatial information, amino acid conservation, physicochemical variation, residue mobility, and thermodynamic stability) has been performed for this missense variant. However, the output from this modeling did not meet the statistical confidence thresholds required to predict the impact of this variant on KIF11 protein function. In summary, the available evidence is currently insufficient to determine the role of this variant in disease. Therefore, it has been classified as a Variant of Uncertain Significance.

Literature cited by the submitters: PubMed 26472404; PubMed 31106028; PubMed 32730767; PubMed 34582765.

NM_004523.4(KIF11):c.994A>G (p.Ile332Val)

Gene: KIF11 (kinesin family member 11; plus strand). Cytogenetic location: 10q23.33.
Variant type: single nucleotide variant.
Coding change: c.994A>G on transcript NM_004523.4 (MANE Select); coding-DNA position 994, A replaced by G.
Protein change: p.Ile332Val; replaces isoleucine 332 with valine.
Molecular consequence: missense variant.
Genome position (GRCh38, 1-based): chr10:92,613,581, A>G. VCF-style: chr10-92613581-A-G. GRCh37 (hg19) VCF-style: chr10-94373338-A-G.
Other names: short protein forms I332V.
Identifiers: ClinVar variation 853562 (VCV000853562.9), dbSNP rs768760171, ClinGen allele CA5604089.